The following is an entry in ClinVar:

ClinVar aggregate classification (germline): Benign (1 of 4 stars; one submission).

Allele frequency attached by ClinVar (database versions not stated): TOPMed 0.45871; gnomAD 0.46562 and 0.46884; 1000 Genomes Project 30x 0.45690; 1000 Genomes Project 0.45827.
gnomAD v4.1: 70,752 of 152,036 alleles (47%); highest among the groups gnomAD compares: African/African-American, 51%; 16,685 homozygotes.

Submission:

GeneDx
Classification: Benign. Last evaluated: 2018-11-12. Review status: criteria provided, single submitter. Criteria: GeneDx Variant Classification Process June 2021. Collection method: clinical testing. Allele origin: germline. Affected: yes.
Comment: This variant is associated with the following publications: (PMID: 19131500, 18502820)

NM_033012.4(TNFSF11):c.-1+2150T>C

Gene: TNFSF11 (TNF superfamily member 11; plus strand). Cytogenetic location: 13q14.11.
Variant type: single nucleotide variant.
Coding change: c.-1+2150T>C on transcript NM_033012.4; 2150 bases into the intron after 1 bases upstream of the start codon, T replaced by C.
Molecular consequence: intron variant.
Genome position (GRCh38, 1-based): chr13:42,573,888, T>C. VCF-style: chr13-42573888-T-C. GRCh37 (hg19) VCF-style: chr13-43148024-T-C.
Identifiers: ClinVar variation 1297311 (VCV001297311.4), dbSNP rs9525641, ClinGen allele CA13810717.